The following is an entry in ClinVar:

NM_014915.3(ANKRD26):c.3188C>T (p.Ser1063Phe)

Gene: ANKRD26 (ankyrin repeat domain 26; minus strand). Cytogenetic location: 10p12.1.
Variant type: single nucleotide variant.
Coding change: c.3188C>T on transcript NM_014915.3 (MANE Select); coding-DNA position 3188, C replaced by T.
Protein change: p.Ser1063Phe; replaces serine 1063 with phenylalanine.
Molecular consequence: missense variant.
Genome position (GRCh38, 1-based): chr10:27,035,262, G>A on the plus strand (C>T on the coding strand, the complement: ANKRD26 is on the minus strand). VCF-style: chr10-27035262-G-A. GRCh37 (hg19) VCF-style: chr10-27324191-G-A.
Other names: c.3185C>T, p.Ser1062Phe (NM_001256053.2); short protein forms S1062F, S1063F.
Identifiers: ClinVar variation 2706153 (VCV002706153.3), dbSNP rs760452090, ClinGen allele CA376363798.

ClinVar aggregate classification (germline): Uncertain significance (1 of 4 stars; one submission).

Submission:

Labcorp Genetics (formerly Invitae), Labcorp
Classification: Uncertain significance. Last evaluated: 2024-02-03. Review status: criteria provided, single submitter. Criteria: Invitae Variant Classification Sherloc (09022015). Collection method: clinical testing. Allele origin: germline.
Comment: This sequence change replaces serine, which is neutral and polar, with phenylalanine, which is neutral and non-polar, at codon 1063 of the ANKRD26 protein (p.Ser1063Phe). This variant is not present in population databases (gnomAD no frequency). This variant has not been reported in the literature in individuals affected with ANKRD26-related conditions. An algorithm developed to predict the effect of missense changes on protein structure and function (PolyPhen-2) suggests that this variant is likely to be disruptive. In summary, the available evidence is currently insufficient to determine the role of this variant in disease. Therefore, it has been classified as a Variant of Uncertain Significance.